The following is an entry in ClinVar:

ClinVar aggregate classification (germline): Uncertain significance (1 of 4 stars; one submission).

Conditions:
Luscan-Lumish syndrome. Identifiers: Orphanet 597738, MedGen C4085873, MONDO:0014791, OMIM 616831.

Allele frequency attached by ClinVar (database versions not stated): gnomAD exomes below 0.00001; TOPMed below 0.00001.

Submission:

Labcorp Genetics (formerly Invitae), Labcorp
Classification: Uncertain significance for Luscan-Lumish syndrome. Last evaluated: 2021-07-17. Review status: criteria provided, single submitter. Criteria: Invitae Variant Classification Sherloc (09022015). Collection method: clinical testing. Allele origin: germline.
Comment: In summary, the available evidence is currently insufficient to determine the role of this variant in disease. Therefore, it has been classified as a Variant of Uncertain Significance. Algorithms developed to predict the effect of missense changes on protein structure and function are either unavailable or do not agree on the potential impact of this missense change (SIFT: "Tolerated"; PolyPhen-2: "Probably Damaging"; Align-GVGD: "Class C0"). This variant has not been reported in the literature in individuals affected with SETD2-related conditions. This variant is not present in population databases (ExAC no frequency). This sequence change replaces leucine with valine at codon 1722 of the SETD2 protein (p.Leu1722Val). The leucine residue is highly conserved and there is a small physicochemical difference between leucine and valine.

NM_014159.7(SETD2):c.5164C>G (p.Leu1722Val)

Gene: SETD2 (SET domain containing 2, histone lysine methyltransferase; minus strand). Cytogenetic location: 3p21.31.
Variant type: single nucleotide variant.
Coding change: c.5164C>G on transcript NM_014159.7 (MANE Select); coding-DNA position 5164, C replaced by G.
Protein change: p.Leu1722Val; replaces leucine 1722 with valine.
Molecular consequence: missense variant. On other transcripts: non-coding transcript variant (1).
Genome position (GRCh38, 1-based): chr3:47,088,226, G>C on the plus strand (C>G on the coding strand, the complement: SETD2 is on the minus strand). VCF-style: chr3-47088226-G-C. GRCh37 (hg19) VCF-style: chr3-47129716-G-C.
Other names: c.5032C>G, p.Leu1678Val (NM_001349370.3); short protein forms L1678V, L1722V.
Identifiers: ClinVar variation 1427861 (VCV001427861.8), dbSNP rs1575752242, ClinGen allele CA352511415.